The following is an entry in ClinVar:

NM_000059.4(BRCA2):c.7876T>A (p.Trp2626Arg)

Gene: BRCA2 (BRCA2 DNA repair associated; plus strand). Cytogenetic location: 13q13.1.
Variant type: single nucleotide variant.
Coding change: c.7876T>A on transcript NM_000059.4 (MANE Select); coding-DNA position 7876, T replaced by A.
Protein change: p.Trp2626Arg; replaces tryptophan 2626 with arginine.
Molecular consequence: missense variant.
Genome position (GRCh38, 1-based): chr13:32,362,593, T>A. VCF-style: chr13-32362593-T-A. GRCh37 (hg19) VCF-style: chr13-32936730-T-A.
Other names: short protein forms W2626R.
Identifiers: ClinVar variation 409541 (VCV000409541.10), dbSNP rs1060502459, ClinGen allele CA16614217.

ClinVar aggregate classification (germline): Pathogenic/Likely pathogenic. Review status: criteria provided, multiple submitters, no conflicts (2 of 4 stars). 2 submissions from 2 submitters: Pathogenic (1); Likely pathogenic (1). Last evaluated 2025-02-16.

Conditions:
Hereditary breast ovarian cancer syndrome. Also called: Hereditary breast and ovarian cancer; Hereditary breast and/or ovarian cancer syndrome; BRCA1- and BRCA2-Associated Hereditary Breast and Ovarian Cancer; Hereditary breast and ovarian cancer syndrome; Hereditary breast and ovarian cancer syndrome (HBOC); Breast and ovarian cancer. Identifiers: Orphanet 145, MedGen C0677776, MeSH D061325, MONDO:0003582. Disease mechanism: loss of function.

Submissions (2):

Laboratory of Genetics, Children's Clinical University Hospital Latvia
Classification: Pathogenic. Last evaluated: 2025-02-16. Review status: criteria provided, single submitter. Criteria: ACMG Guidelines, 2015. Collection method: clinical testing. Allele origin: germline. Affected: yes.

Labcorp Genetics (formerly Invitae), Labcorp
Classification: Likely pathogenic for Hereditary breast ovarian cancer syndrome. Last evaluated: 2022-11-29. Review status: criteria provided, single submitter. Criteria: Invitae Variant Classification Sherloc (09022015). Collection method: clinical testing. Allele origin: germline.
Comment: In summary, the currently available evidence indicates that the variant is pathogenic, but additional data are needed to prove that conclusively. Therefore, this variant has been classified as Likely Pathogenic. This variant disrupts the p.Trp2626 amino acid residue in BRCA2. Other variant(s) that disrupt this residue have been determined to be pathogenic (PMID: 11802209, 20104584, 21203900, 21719596, 22666503, 25085752, 25146914; Invitae). This suggests that this residue is clinically significant, and that variants that disrupt this residue are likely to be disease-causing. Advanced modeling performed at Invitae incorporating data from internal and/or published experimental studies (PMID: 33609447) indicates that this missense variant is expected to disrupt BRCA2 function. ClinVar contains an entry for this variant (Variation ID: 409541). This missense change has been observed in individual(s) with breast cancer (PMID: 17100994, 34645131). This variant is not present in population databases (gnomAD no frequency). This sequence change replaces tryptophan, which is neutral and slightly polar, with arginine, which is basic and polar, at codon 2626 of the BRCA2 protein (p.Trp2626Arg).

Literature cited by the submitters: PubMed 11802209 (cited by Labcorp Genetics (formerly Invitae), Labcorp); PubMed 20104584 (cited by Labcorp Genetics (formerly Invitae), Labcorp); PubMed 21203900 (cited by Labcorp Genetics (formerly Invitae), Labcorp); PubMed 21719596 (cited by Labcorp Genetics (formerly Invitae), Labcorp); PubMed 22666503 (cited by Labcorp Genetics (formerly Invitae), Labcorp); PubMed 25085752 (cited by Labcorp Genetics (formerly Invitae), Labcorp); PubMed 25146914 (cited by Labcorp Genetics (formerly Invitae), Labcorp); PubMed 33609447 (cited by Labcorp Genetics (formerly Invitae), Labcorp); PubMed 17100994 (cited by Labcorp Genetics (formerly Invitae), Labcorp); PubMed 34645131 (cited by Labcorp Genetics (formerly Invitae), Labcorp).